The following is an entry in ClinVar:

NM_006231.4(POLE):c.-7C>T

Genes: POLE (DNA polymerase epsilon, catalytic subunit; minus strand), LOC130009266 (ATAC-STARR-seq lymphoblastoid silent region 5123; plus strand). Cytogenetic location: 12q24.33.
Variant type: single nucleotide variant.
Coding change: c.-7C>T on transcript NM_006231.4 (MANE Select); 7 bases upstream of the start codon, C replaced by T.
Molecular consequence: 5 prime UTR variant.
Genome position (GRCh38, 1-based): chr12:132,687,322, G>A on the plus strand (C>T on the coding strand, the complement: POLE is on the minus strand). VCF-style: chr12-132687322-G-A. GRCh37 (hg19) VCF-style: chr12-133263908-G-A.
Identifiers: ClinVar variation 423673 (VCV000423673.4), dbSNP rs1064796567, ClinGen allele CA16619489.
Genomic context (GRCh38, chr12:132,687,322, plus strand): 5'-CTCGCCATCCGCGCCTGGGTCCGCGCGCCGCCGCCCGCCGCTCCTCAGAGACATGGAGCC[G>A]TTGGCTACCACCTCTGCTTCAGGGGAGAAATTTGGCGCGCTCCCACCCAGACTCGCGAGA-3'

ClinVar aggregate classification (germline): Uncertain significance. Review status: criteria provided, multiple submitters, no conflicts (2 of 4 stars). 2 submissions from 2 submitters: Uncertain significance (2). Last evaluated 2022-12-19.

Conditions:
Polymerase proofreading-related adenomatous polyposis. Also called: Polymerase proofreading associated polyposis; Polymerase proofreading–associated polyposis (PPAP). Identifiers: Orphanet 447877, MedGen C5202613, MONDO:0018653.

Allele frequency attached by ClinVar (database versions not stated): gnomAD 0.00001; TOPMed 0.00001.
gnomAD v4.1: 9 of 1,498,494 alleles (0.0006%); highest among the groups gnomAD compares: African/African-American, 0.0014%; no homozygotes.

Submissions (3):

Department of Pathology and Laboratory Medicine, Sinai Health System
Classification: Uncertain significance for Polymerase proofreading-related adenomatous polyposis. Last evaluated: 2022-12-19. Review status: criteria provided, single submitter. Criteria: ACMG Guidelines, 2015. Collection method: clinical testing. Allele origin: germline. Affected: yes.

GeneDx
Classification: Uncertain significance. Last evaluated: 2017-02-16. Review status: criteria provided, single submitter. Criteria: GeneDx Variant Classification (06012015). Collection method: clinical testing. Allele origin: germline. Affected: yes.
Comment: This variant is denoted POLE c.-7C>T and describes a nucleotide substitution 7 base pairs upstream of the ATG translational start site in the 5' untranslated region (UTR). The surrounding sequence, with the base that is substituted in brackets, is CCAA[C/T]GGCT. This variant has not, to our knowledge, been published in the literature as pathogenic or benign. This variant is not predicted to affect splicing, and does not appear to affect the Kozak translational consensus sequence, but is predicted to create a new translational start codon. POLE c.-7C>T occurs at a position that is conserved across species. This variant was not observed in approximately 4,000 individuals of European and African American ancestry in the NHLBI Exome Sequencing Project, suggesting it is not a common benign variant in these populations. Based on currently available information, it is unclear whether POLE c.-7C>T is pathogenic or benign. We consider it to be a variant of uncertain significance.

Seelig Lab, University of Washington
No classification provided (evidence only). Review status: no classification provided. Collection method: in vitro. Allele origin: not applicable. Functional consequence: effect on translation. Not counted in ClinVar's aggregate classification.
ClinVar note: "not provided" was previously submitted as the classification for the variant. However, the classification appeared to be based only on an observation of functional data so it was converted to no classification on 2025-07-30.